The following is an entry in ClinVar:

ClinVar aggregate classification (germline): Likely benign (1 of 4 stars; one submission).

Allele frequency attached by ClinVar (database versions not stated): 1000 Genomes Project 30x 0.00234; 1000 Genomes Project 0.00260; ExAC 0.00669; ESP Exome Variant Server 0.00837.

Submission:

CeGaT Center for Human Genetics Tuebingen
Classification: Likely benign. Last evaluated: 2023-01-01. Review status: criteria provided, single submitter. Criteria: CeGaT Center For Human Genetics Tuebingen Variant Classification Criteria Version 2. Collection method: clinical testing. Allele origin: germline. Affected: yes. Observed: 1 variant allele.
Comment: OR2T2: BP4, BP7, BS2

NM_001004136.2(OR2T2):c.570C>T (p.Cys190=)

Gene: OR2T2 (olfactory receptor family 2 subfamily T member 2; plus strand). Cytogenetic location: 1q44.
Variant type: single nucleotide variant.
Coding change: c.570C>T on transcript NM_001004136.2 (MANE Select); coding-DNA position 570, C replaced by T.
Protein change: p.Cys190=; no amino-acid change (cysteine 190 retained).
Molecular consequence: synonymous variant.
Genome position (GRCh38, 1-based): chr1:248,453,367, C>T. VCF-style: chr1-248453367-C-T. GRCh37 (hg19) VCF-style: chr1-248616668-C-T.
Identifiers: ClinVar variation 2640254 (VCV002640254.24), dbSNP rs144808604, ClinGen allele CA1504564.
Genomic context (GRCh38, chr1:248,453,367, plus strand): 5'-TAGATCCCGAGAGATCAATCACTTTTTCTGTGAGATCCCAGCCGTGCTGAAGTTGTCTTG[C>T]ACAGACACGTCACTCTATGAGACCCTGATGTATGCCTGCTGCGTGCTGATGCTGCTTATC-3'
Protein context (NP_001004136.1, residues 180-200): CEIPAVLKLS[Cys190=]TDTSLYETLM